The following is an entry in ClinVar:

NM_000368.5(TSC1):c.52A>G (p.Met18Val)

Gene: TSC1 (TSC complex subunit 1; minus strand). Cytogenetic location: 9q34.13.
Variant type: single nucleotide variant.
Coding change: c.52A>G on transcript NM_000368.5 (MANE Select); coding-DNA position 52, A replaced by G.
Protein change: p.Met18Val; replaces methionine 18 with valine.
Molecular consequence: missense variant. On other transcripts: 5 prime UTR variant (1).
Genome position (GRCh38, 1-based): chr9:132,928,821, T>C on the plus strand (A>G on the coding strand, the complement: TSC1 is on the minus strand). VCF-style: chr9-132928821-T-C. GRCh37 (hg19) VCF-style: chr9-135804208-T-C.
Other names: c.-208A>G (NM_001406621.1, NM_001406622.1, NM_001406625.1 and 3 more transcripts); c.-437A>G (NM_001406623.1, NM_001406615.1); c.-404A>G (NM_001406624.1, NM_001406616.1); c.-826A>G (NM_001406626.1, NM_001406627.1, NM_001406628.1); c.-968A>G (NM_001406629.1); c.-1042A>G (NM_001406630.1); c.52A>G, p.Met18Val (NM_001406592.1, NM_001406593.1, NM_001406594.1 and 21 more transcripts); c.-300A>G (NM_001406614.1); short protein forms M18V.
Identifiers: ClinVar variation 1746684 (VCV001746684.7), dbSNP rs762059806, ClinGen allele CA375375368.
Genomic context (GRCh38, chr9:132,928,821, plus strand): 5'-GCTAACCAGAATTGAGGTTCTCTTTAAAGACAGCTGTCACGTCGTCCCGCACACCCAGCA[T>C]GGGGGAGTCCAGCATGGCAAGAAGCTCCCCGACATTTGCTTGTTGGGCCATTCTCTCGCT-3'
Protein context (NP_000359.1, residues 8-28): GELLAMLDSP[Met18Val]LGVRDDVTAV

ClinVar aggregate classification (germline): Conflicting classifications of pathogenicity. Review status: criteria provided, conflicting classifications (1 of 4 stars). 2 submissions from 2 submitters: Uncertain significance (1); Likely benign (1). Last evaluated 2025-12-26.

Conditions:
Tuberous sclerosis 1 (TSC1). Identifiers: Orphanet 805, MedGen C1854465, MONDO:0008612, OMIM 191100.
Hereditary cancer-predisposing syndrome. Also called: Neoplastic Syndromes, Hereditary; Tumor predisposition; Hereditary Cancer Syndrome; Hereditary neoplastic syndrome. Identifiers: Orphanet 140162, MedGen C0027672, MeSH D009386, MONDO:0015356.

Submissions (2):

Labcorp Genetics (formerly Invitae), Labcorp
Classification: Uncertain significance for Tuberous sclerosis 1. Last evaluated: 2025-12-26. Review status: criteria provided, single submitter. Criteria: Invitae Variant Classification Sherloc (09022015). Collection method: clinical testing. Allele origin: germline.
Comment: This sequence change replaces methionine, which is neutral and non-polar, with valine, which is neutral and non-polar, at codon 18 of the TSC1 protein (p.Met18Val). This variant is not present in population databases (gnomAD no frequency). This variant has not been reported in the literature in individuals affected with TSC1-related conditions. ClinVar contains an entry for this variant (Variation ID: 1746684). Invitae Evidence Modeling of protein sequence and biophysical properties (such as structural, functional, and spatial information, amino acid conservation, physicochemical variation, residue mobility, and thermodynamic stability) indicates that this missense variant is not expected to disrupt TSC1 protein function with a negative predictive value of 95%. In summary, the available evidence is currently insufficient to determine the role of this variant in disease. Therefore, it has been classified as a Variant of Uncertain Significance.

Ambry Genetics
Classification: Likely benign for Hereditary cancer-predisposing syndrome. Last evaluated: 2019-09-27. Review status: criteria provided, single submitter. Criteria: Ambry Variant Classification Scheme 2023. Collection method: clinical testing. Allele origin: germline.